The following is an entry in ClinVar:

ClinVar aggregate classification (germline): Uncertain significance. Review status: criteria provided, multiple submitters, no conflicts (2 of 4 stars). 2 submissions from 2 submitters: Uncertain significance (2). Last evaluated 2024-08-12.

Conditions:
Basal cell carcinoma, susceptibility to, 1. Also called: BCC1. Identifiers: MedGen C2751544, MONDO:0011556, OMIM 605462.
Medulloblastoma (MDB). Also called: MEDULLOBLASTOMA PREDISPOSITION SYNDROME; Medulloblastoma, somatic. Identifiers: Orphanet 616, MedGen C0025149, MeSH D008527, MONDO:0007959, OMIM 155255, HP:0002885.
Gorlin syndrome. Also called: Basal cell nevus syndrome; Nevoid Basal Cell Carcinoma Syndrome. Identifiers: Orphanet 377, MedGen C0004779, MONDO:0007187.

Allele frequency attached by ClinVar (database versions not stated): ExAC 0.00002; gnomAD 0.00002 and 0.00003; gnomAD exomes 0.00002; TOPMed 0.00002.
gnomAD v4.1: 38 of 1,613,604 alleles (0.0024%); highest among the groups gnomAD compares: South Asian, 0.0088%; no homozygotes.

Submissions (2):

Labcorp Genetics (formerly Invitae), Labcorp
Classification: Uncertain significance for Gorlin syndrome. Last evaluated: 2024-08-12. Review status: criteria provided, single submitter. Criteria: Invitae Variant Classification Sherloc (09022015). Collection method: clinical testing. Allele origin: germline.
Comment: This sequence change replaces arginine, which is basic and polar, with glutamine, which is neutral and polar, at codon 415 of the PTCH2 protein (p.Arg415Gln). This variant is present in population databases (rs764488358, gnomAD 0.01%). This variant has not been reported in the literature in individuals affected with PTCH2-related conditions. ClinVar contains an entry for this variant (Variation ID: 834599). Advanced modeling of protein sequence and biophysical properties (such as structural, functional, and spatial information, amino acid conservation, physicochemical variation, residue mobility, and thermodynamic stability) performed at Invitae indicates that this missense variant is not expected to disrupt PTCH2 protein function with a negative predictive value of 80%. In summary, the available evidence is currently insufficient to determine the role of this variant in disease. Therefore, it has been classified as a Variant of Uncertain Significance.

Fulgent Genetics
Classification: Uncertain significance for Medulloblastoma; Basal cell carcinoma, susceptibility to, 1. Last evaluated: 2024-02-18. Review status: criteria provided, single submitter. Criteria: ACMG Guidelines, 2015. Collection method: clinical testing. Allele origin: germline.

NM_003738.5(PTCH2):c.1244G>A (p.Arg415Gln)

Gene: PTCH2 (patched 2; minus strand). Cytogenetic location: 1p34.1.
Variant type: single nucleotide variant.
Coding change: c.1244G>A on transcript NM_003738.5 (MANE Select); coding-DNA position 1244, G replaced by A.
Protein change: p.Arg415Gln; replaces arginine 415 with glutamine.
Molecular consequence: missense variant.
Genome position (GRCh38, 1-based): chr1:44,829,284, C>T on the plus strand (G>A on the coding strand, the complement: PTCH2 is on the minus strand). VCF-style: chr1-44829284-C-T. GRCh37 (hg19) VCF-style: chr1-45294956-C-T.
Other names: c.1244G>A, p.Arg415Gln (NM_001166292.2); short protein forms R415Q.
Identifiers: ClinVar variation 834599 (VCV000834599.13), dbSNP rs764488358, ClinGen allele CA823372.
Genomic context (GRCh38, chr1:44,829,284, plus strand): 5'-AGGGCCACCAGCAGTACCCCGGCAAGGCCCACGGAACCCTGGGACTGGGCGCAGTCCCAC[C>T]GCAGCATGGTCACACAGGCATAGGCCAGCTGTGGGGGGAAAGGGCAGTCTCAGGGGCTCC-3'
Protein context (NP_003729.3, residues 405-425): MLAYACVTML[Arg415Gln]WDCAQSQGSV